The following continues an entry in ClinVar:

NM_007294.4(BRCA1):c.4675+1G>A

Gene: BRCA1. ClinVar aggregate classification (germline): Pathogenic. Pathogenic (1).

Submissions 25 to 32 of 32:

Consortium of Investigators of Modifiers of BRCA1/2 (CIMBA), c/o University of Cambridge
Classification: Pathogenic for Breast-ovarian cancer, familial, susceptibility to, 1. Last evaluated: 2015-10-02. Review status: criteria provided, single submitter. Criteria: CIMBA Mutation Classification guidelines May 2016. Collection method: clinical testing. Allele origin: germline. Not counted in ClinVar's aggregate classification.

Clinical and Functional Genomics Group, A.C.Camargo Cancer Center
Classification: Pathogenic for Breast Cancer. Review status: criteria provided, single submitter. Criteria: Silva et al. (BMC Med Genet. 2014). Collection method: research. Allele origin: germline. Affected: yes. Not counted in ClinVar's aggregate classification.

Zotz-Klimas Genetics Lab, MVZ Zotz Klimas
Classification: Pathogenic for Breast-ovarian cancer, familial, susceptibility to, 1. Last evaluated: 2023-10-09. Review status: no assertion criteria provided. Collection method: clinical testing. Allele origin: germline. Affected: yes. Not counted in ClinVar's aggregate classification.

BRCAlab, Lund University
Classification: Pathogenic for Breast-ovarian cancer, familial, susceptibility to, 1. Last evaluated: 2022-08-26. Review status: no assertion criteria provided. Collection method: clinical testing. Allele origin: germline. Affected: yes. Not counted in ClinVar's aggregate classification.

Research Molecular Genetics Laboratory, Women's College Hospital, University of Toronto
Classification: Pathogenic for Hereditary breast ovarian cancer syndrome. Last evaluated: 2014-01-31. Review status: no assertion criteria provided. Collection method: research. Allele origin: germline. Affected: yes. Study: The Canadian Open Genetics Repository (COGR). Not counted in ClinVar's aggregate classification.

Foulkes Cancer Genetics LDI, Lady Davis Institute for Medical Research
Classification: Likely pathogenic for Breast and/or ovarian cancer. Last evaluated: 2010-10-26. Review status: no assertion criteria provided. Collection method: clinical testing. Allele origin: germline. Study: The Canadian Open Genetics Repository (COGR). Not counted in ClinVar's aggregate classification.

Sharing Clinical Reports Project (SCRP)
Classification: Pathogenic for Breast-ovarian cancer, familial 1. Last evaluated: 2010-07-21. Review status: no assertion criteria provided. Collection method: clinical testing. Allele origin: germline. Not counted in ClinVar's aggregate classification.

Breast Cancer Information Core (BIC) (BRCA1)
Classification: Pathogenic for Breast-ovarian cancer, familial 1. Last evaluated: 2002-05-29. Review status: no assertion criteria provided. Collection method: clinical testing. Allele origin: germline. Affected: yes. Observed: 9 variant alleles. Not counted in ClinVar's aggregate classification.

Literature cited by the submitters: PubMed 21990134 (cited by 6 submitters); PubMed 12491499 (cited by 9 submitters); PubMed 21324516 (cited by 8 submitters); PubMed 23767878 (cited by 6 submitters); PubMed 24884479 (cited by 4 submitters); PubMed 29446198 (cited by 3 submitters); PubMed 29907814 (cited by 3 submitters); PubMed 18489799 (cited by 7 submitters); PubMed 21394826 (cited by 7 submitters); PubMed 33471991 (cited by 3 submitters); PubMed 31263571 (cited by 3 submitters); PubMed 24667779 (cited by 6 submitters); PubMed 28324225 (cited by 6 submitters); PubMed 26295337 (cited by Quest Diagnostics Nichols Institute San Juan Capistrano); PubMed 17924331 (cited by 4 submitters); PubMed 21965345 (cited by 4 submitters); PubMed 27914478 (cited by 5 submitters); PubMed 11389159 (cited by Ambry Genetics); PubMed 25085752 (cited by 3 submitters); PubMed 29161300 (cited by AiLife Diagnostics and Laboratory for Molecular Medicine, Mass General Brigham Personalized Medicine); PubMed 30322717 (cited by AiLife Diagnostics and Laboratory for Molecular Medicine, Mass General Brigham Personalized Medicine); PubMed 30078507 (cited by AiLife Diagnostics and Laboratory for Molecular Medicine, Mass General Brigham Personalized Medicine); PubMed 30787465 (cited by AiLife Diagnostics); PubMed 29470806 (cited by AiLife Diagnostics and Laboratory for Molecular Medicine, Mass General Brigham Personalized Medicine); PubMed 26848151 (cited by AiLife Diagnostics); PubMed 25525159 (cited by AiLife Diagnostics); PubMed 23469205 (cited by Clinical and Functional Genomics Group, A.C.Camargo Cancer Center).